The following is an entry in ClinVar:

ClinVar aggregate classification (germline): Uncertain significance. Review status: criteria provided, multiple submitters, no conflicts (2 of 4 stars). 3 submissions from 3 submitters: Uncertain significance (3). Last evaluated 2025-09-10.

Conditions:
PLEC-related disorder. Also called: PLEC-related condition; PLEC-related disorders.
Autosomal recessive limb-girdle muscular dystrophy type 2Q (LGMDR17). Also called: MUSCULAR DYSTROPHY, LIMB-GIRDLE, AUTOSOMAL RECESSIVE 17. Identifiers: Orphanet 254361, MedGen C3150989, MONDO:0013390, OMIM 613723.
Epidermolysis bullosa simplex with nail dystrophy (EBS5D). Identifiers: MedGen C4225309, MONDO:0014661, OMIM 616487.
Epidermolysis bullosa simplex 5B, with muscular dystrophy (EBS5B). Also called: EPIDERMOLYSIS BULLOSA SIMPLEX AND LIMB-GIRDLE MUSCULAR DYSTROPHY; Epidermolysis bullosa simplex with muscular dystrophy. Identifiers: Orphanet 257, MedGen C2931072, MONDO:0009181, OMIM 226670.
Epidermolysis bullosa simplex, Ogna type (EBS5A). Also called: Pidermolysis bullosa simplex 5A, Ogna type; EPIDERMOLYSIS BULLOSA SIMPLEX 5A, OGNA TYPE. Identifiers: Orphanet 79401, MedGen C0432317, MONDO:0007555, OMIM 131950.
Epidermolysis bullosa simplex 5C, with pyloric atresia (EBS5C). Also called: PLEC1-Related Epidermolysis Bullosa with Pyloric Atresia; PLEC-Related Epidermolysis Bullosa with Pyloric Atresia; Epidermolysis bullosa simplex with pyloric atresia. Identifiers: Orphanet 158684, MedGen C2677349, MONDO:0012807, OMIM 612138.

Allele frequency attached by ClinVar (database versions not stated): gnomAD 0.00003; ExAC 0.00004; TOPMed 0.00004; gnomAD exomes 0.00005; ESP Exome Variant Server 0.00008.
gnomAD v4.1: 71 of 1,596,880 alleles (0.0044%); highest among the groups gnomAD compares: Non-Finnish European, 0.0051%; no homozygotes.

Submissions (3):

PreventionGenetics, part of Exact Sciences
Classification: Uncertain significance for PLEC-related condition. Last evaluated: 2025-09-10. Review status: criteria provided, single submitter. Criteria: ACMG Guidelines, 2015. Collection method: clinical testing. Allele origin: germline.
Comment: The PLEC c.11804C>T variant is predicted to result in the amino acid substitution p.Ala3935Val. To our knowledge, this variant has not been reported in the literature. This variant is reported in 0.0096% of alleles in individuals of African descent in gnomAD. At this time, the clinical significance of this variant is uncertain due to the absence of conclusive functional and genetic evidence.

Revvity Omics, Revvity
Classification: Uncertain significance. Last evaluated: 2025-05-23. Review status: criteria provided, single submitter. Criteria: ACMG Guidelines, 2015. Collection method: clinical testing. Allele origin: germline.

Labcorp Genetics (formerly Invitae), Labcorp
Classification: Uncertain significance for Autosomal recessive limb-girdle muscular dystrophy type 2Q; Epidermolysis bullosa simplex, Ogna type; Epidermolysis bullosa simplex with nail dystrophy; Epidermolysis bullosa simplex 5C, with pyloric atresia; Epidermolysis bullosa simplex 5B, with muscular dystrophy. Last evaluated: 2022-09-23. Review status: criteria provided, single submitter. Criteria: Invitae Variant Classification Sherloc (09022015). Collection method: clinical testing. Allele origin: germline.
Comment: This sequence change replaces alanine, which is neutral and non-polar, with valine, which is neutral and non-polar, at codon 3935 of the PLEC protein (p.Ala3935Val). This variant is present in population databases (rs367564112, gnomAD 0.01%). This variant has not been reported in the literature in individuals affected with PLEC-related conditions. ClinVar contains an entry for this variant (Variation ID: 1376773). Advanced modeling of protein sequence and biophysical properties (such as structural, functional, and spatial information, amino acid conservation, physicochemical variation, residue mobility, and thermodynamic stability) performed at Invitae indicates that this missense variant is not expected to disrupt PLEC protein function. Algorithms developed to predict the effect of sequence changes on RNA splicing suggest that this variant may create or strengthen a splice site. In summary, the available evidence is currently insufficient to determine the role of this variant in disease. Therefore, it has been classified as a Variant of Uncertain Significance.

NM_201384.3(PLEC):c.11723C>T (p.Ala3908Val)

Gene: PLEC (plectin; minus strand). Cytogenetic location: 8q24.3.
Variant type: single nucleotide variant.
Coding change: c.11723C>T on transcript NM_201384.3 (MANE Select); coding-DNA position 11723, C replaced by T.
Protein change: p.Ala3908Val; replaces alanine 3908 with valine.
Molecular consequence: missense variant.
Genome position (GRCh38, 1-based): chr8:143,918,098, G>A on the plus strand (C>T on the coding strand, the complement: PLEC is on the minus strand). VCF-style: chr8-143918098-G-A. GRCh37 (hg19) VCF-style: chr8-144992266-G-A.
Other names: c.11804C>T (NM_000445.4); c.11804C>T, p.Ala3935Val (NM_000445.5); c.11681C>T, p.Ala3894Val (NM_201378.4); c.11657C>T, p.Ala3886Val (NM_201379.3); c.12134C>T, p.Ala4045Val (NM_201380.4); c.11627C>T, p.Ala3876Val (NM_201381.3); c.11723C>T, p.Ala3908Val (NM_201382.4); c.11735C>T, p.Ala3912Val (NM_201383.3); short protein forms A3912V, A3935V, A3876V, A3894V, A3908V, A4045V, A3886V.
Identifiers: ClinVar variation 1376773 (VCV001376773.6), dbSNP rs367564112, ClinGen allele CA4924261.
Genomic context (GRCh38, chr8:143,918,098, plus strand): 5'-AACTTCTGCAAGTTCTTGGTGACCTCCTCGATGGAGGTCAGGCCCTCCCGCAGCTGCAGC[G>A]CCGTGGCCTCGTCCATGACCTGCGAGCGCACCAGCTCCTCCATGGTGATCTGCTTCCGCA-3'
Protein context (NP_958786.1, residues 3898-3918): VRSQVMDEAT[Ala3908Val]LQLREGLTSI